The following is an entry in ClinVar:

NM_015102.5(NPHP4):c.1270A>G (p.Lys424Glu)

Gene: NPHP4 (nephrocystin 4; minus strand). Cytogenetic location: 1p36.31.
Variant type: single nucleotide variant.
Coding change: c.1270A>G on transcript NM_015102.5 (MANE Select); coding-DNA position 1270, A replaced by G.
Protein change: p.Lys424Glu; replaces lysine 424 with glutamic acid.
Molecular consequence: missense variant. On other transcripts: 5 prime UTR variant (2), non-coding transcript variant (1).
Genome position (GRCh38, 1-based): chr1:5,933,179, T>C on the plus strand (A>G on the coding strand, the complement: NPHP4 is on the minus strand). VCF-style: chr1-5933179-T-C. GRCh37 (hg19) VCF-style: chr1-5993239-T-C.
Other names: c.-97A>G (NM_001291593.2, NM_001291594.2); short protein forms K424E.
Identifiers: ClinVar variation 942449 (VCV000942449.7), dbSNP rs1342432195, ClinGen allele CA338060921.

ClinVar aggregate classification (germline): Uncertain significance (1 of 4 stars; one submission).

Conditions:
Nephronophthisis. Also called: Juvenile Nephronophthisis. Identifiers: Orphanet 655, MedGen C0687120, MONDO:0019005, HP:0000090.

Allele frequency attached by ClinVar (database versions not stated): gnomAD exomes below 0.00001 and 0.00002.
gnomAD v4.1: 29 of 1,610,302 alleles (0.0018%); highest among the groups gnomAD compares: Non-Finnish European, 0.0025%; no homozygotes.

Submission:

Labcorp Genetics (formerly Invitae), Labcorp
Classification: Uncertain significance for Nephronophthisis. Last evaluated: 2022-06-27. Review status: criteria provided, single submitter. Criteria: Invitae Variant Classification Sherloc (09022015). Collection method: clinical testing. Allele origin: germline.
Comment: In summary, the available evidence is currently insufficient to determine the role of this variant in disease. Therefore, it has been classified as a Variant of Uncertain Significance. Algorithms developed to predict the effect of sequence changes on RNA splicing suggest that this variant may disrupt the consensus splice site. Algorithms developed to predict the effect of missense changes on protein structure and function are either unavailable or do not agree on the potential impact of this missense change (SIFT: "Deleterious"; PolyPhen-2: "Possibly Damaging"; Align-GVGD: "Class C0"). This sequence change replaces lysine, which is basic and polar, with glutamic acid, which is acidic and polar, at codon 424 of the NPHP4 protein (p.Lys424Glu). This variant is present in population databases (no rsID available, gnomAD 0.0009%). This variant has not been reported in the literature in individuals affected with NPHP4-related conditions. ClinVar contains an entry for this variant (Variation ID: 942449).